The following is an entry in ClinVar:

NM_001715.3(BLK):c.284G>A (p.Trp95Ter)

Gene: BLK (BLK proto-oncogene, Src family tyrosine kinase). Cytogenetic location: 8p23.1.
Variant type: single nucleotide variant.
Coding change: c.284G>A on transcript NM_001715.3 (MANE Select); coding-DNA position 284, G replaced by A.
Protein change: p.Trp95Ter; replaces tryptophan 95 with a stop codon.
Molecular consequence: nonsense.
Genome position (GRCh38, 1-based): chr8:11,549,038, G>A. VCF-style: chr8-11549038-G-A. GRCh37 (hg19) VCF-style: chr8-11406547-G-A.
Other names: c.71G>A, p.Trp24Ter (NM_001330465.2); short protein forms W24*, W95*.
Identifiers: ClinVar variation 2633066 (VCV002633066.1), dbSNP rs1180849034, ClinGen allele CA370311827.
Genomic context (GRCh38, chr8:11,549,038, plus strand): 5'-CCTACAGGGGCCATGATCTCATCTCTGTTTCCCCTGCTCCCATTAGAACTGGAGACTGGT[G>A]GCTGGCCAGGTCACTCGTCACAGGAAGAGAAGGCTATGTGCCCAGTAACTTTGTGGCCCG-3'

ClinVar aggregate classification (germline): Uncertain significance (1 of 4 stars; one submission).

Conditions:
BLK-related disorder. Also called: BLK-related condition.

Allele frequency attached by ClinVar (database versions not stated): TOPMed below 0.00001; gnomAD 0.00001; gnomAD exomes 0.00002.
gnomAD v4.1: 33 of 1,609,564 alleles (0.0021%); highest among the groups gnomAD compares: Non-Finnish European, 0.0028%; no homozygotes.

Submission:

PreventionGenetics, part of Exact Sciences
Classification: Uncertain significance for BLK-related condition. Last evaluated: 2023-05-01. Review status: criteria provided, single submitter. Criteria: ACMG Guidelines, 2015. Collection method: clinical testing. Allele origin: germline.
Comment: The BLK c.284G>A variant is predicted to result in premature protein termination (p.Trp95*). To our knowledge, this variant has not been reported in the literature or in a large population database, indicating this variant is rare. There have been no loss of function variants reported upstream of this variant in this gene and loss of function is not an established mechanism of BLK-related disease. Although we suspect that this variant may be pathogenic, at this time, the clinical significance of this variant is uncertain due to the absence of conclusive functional and genetic evidence.